The following is an entry in ClinVar:

NM_172107.4(KCNQ2):c.1A>T (p.Met1Leu)

Gene: KCNQ2 (potassium voltage-gated channel subfamily Q member 2; minus strand). Cytogenetic location: 20q13.33.
Variant type: single nucleotide variant.
Coding change: c.1A>T on transcript NM_172107.4 (MANE Select); coding-DNA position 1, A replaced by T.
Protein change: p.Met1Leu; changes the start codon (methionine 1).
Molecular consequence: missense variant, initiator codon variant.
Genome position (GRCh38, 1-based): chr20:63,472,463, T>A on the plus strand (A>T on the coding strand, the complement: KCNQ2 is on the minus strand). VCF-style: chr20-63472463-T-A. GRCh37 (hg19) VCF-style: chr20-62103816-T-A.
Other names: c.1A>T, p.Met1Leu (NM_172108.5, NM_172109.3, NM_001382235.1 and 2 more transcripts); c.1A>T (NM_172107.3); short protein forms M1L.
Identifiers: ClinVar variation 2862833 (VCV002862833.4), dbSNP rs118192185, ClinGen allele CA409636359.

ClinVar aggregate classification (germline): Pathogenic. Review status: criteria provided, multiple submitters, no conflicts (2 of 4 stars). 2 submissions from 2 submitters: Pathogenic (2). Last evaluated 2026-03-11.

Conditions:
Early-infantile DEE. Also called: Early infantile epileptic encephalopathy with suppression bursts; Ohtahara syndrome; Early infantile epileptic encephalopathy. Identifiers: Orphanet 1934, MedGen C0393706, MONDO:0800491.
KCNQ2-Related Disorders. Also called: KCNQ2-related condition; KCNQ2-related disorder. Identifiers: MedGen CN169299.

Submissions (2):

PreventionGenetics, part of Exact Sciences
Classification: Pathogenic for KCNQ2-related condition. Last evaluated: 2026-03-11. Review status: criteria provided, single submitter. Criteria: ACMG Guidelines, 2015. Collection method: clinical testing. Allele origin: germline.
Comment: The KCNQ2 c.1A>T variant is predicted to disrupt the translation initiation site (Start Loss). This variant has not been reported in the literature or in a large population database (gnomAD), indicating this variant is rare. Different nucleotide variants that also affect the start codon (c.1A>G, c.2T>C) have been reported in individuals with KCNQ2-related disorders (Richards et al. 2004. PubMed ID: 14985406; Milh et al. 2015. PubMed ID: 25959266; Cao et al. 2024. PubMed ID: 38814296) and are classified as likely pathogenic or pathogenic in ClinVar (Variation IDs: 21774; 21783). The c.1A>T variant is reported as pathogenic in ClinVar (Variation ID:2862833). Taken together, the c.1A>T variant is interpreted as likely pathogenic.

Labcorp Genetics (formerly Invitae), Labcorp
Classification: Pathogenic for Early-infantile DEE. Last evaluated: 2023-05-09. Review status: criteria provided, single submitter. Criteria: Invitae Variant Classification Sherloc (09022015). Collection method: clinical testing. Allele origin: germline.
Comment: This variant disrupts a region of the KCNQ2 protein in which other variant(s) (p.Arg144Gln) have been determined to be pathogenic (PMID: 23934111, 25740509). This suggests that this is a clinically significant region of the protein, and that variants that disrupt it are likely to be disease-causing. For these reasons, this variant has been classified as Pathogenic. This variant is not present in population databases (gnomAD no frequency). Disruption of the initiator codon has been observed in individual(s) with benign familial neonatal seizures (PMID: 14985406). This sequence change affects the initiator methionine of the KCNQ2 mRNA. The next in-frame methionine is located at codon 174.

Literature cited by the submitters: PubMed 23934111 (cited by Labcorp Genetics (formerly Invitae), Labcorp); PubMed 25740509 (cited by Labcorp Genetics (formerly Invitae), Labcorp); PubMed 14985406 (cited by Labcorp Genetics (formerly Invitae), Labcorp).